The following is an entry in ClinVar:

ClinVar aggregate classification (germline): Uncertain significance. Review status: criteria provided, multiple submitters, no conflicts (2 of 4 stars). 2 submissions from 2 submitters: Uncertain significance (2). Last evaluated 2026-04-16.

Conditions:
Hereditary spastic paraplegia 7 (SPG7). Also called: SPG7-related neurologic disorder; Autosomal recessive spastic paraplegia type 7; SPASTIC PARAPLEGIA 7, AUTOSOMAL RECESSIVE, WITH OR WITHOUT CEREBELLAR ATAXIA; Spastic paraplegia 7; Hereditary spastic paraplegia Paraplegin type. Identifiers: Orphanet 99013, MedGen C1846564, MONDO:0011803, OMIM 607259.

gnomAD v4.1: 5 of 1,614,042 alleles (0.00031%); highest among the groups gnomAD compares: Non-Finnish European, 0.00042%; no homozygotes.

Submissions (2):

Women's Health and Genetics/Laboratory Corporation of America, LabCorp
Classification: Uncertain significance. Last evaluated: 2026-04-16. Review status: criteria provided, single submitter. Criteria: LabCorp Variant Classification Summary - May 2015. Collection method: clinical testing. Allele origin: germline.
Comment: Variant summary: SPG7 c.2218T>G (p.Tyr740Asp) results in a non-conservative amino acid change in the encoded protein sequence. Algorithms developed to predict the effect of missense changes on protein structure and function all suggest that this variant is likely to be disruptive. The variant was absent in 251314 control chromosomes. The available data on variant occurrences in the general population are insufficient to allow any conclusion about variant significance. To our knowledge, no occurrence of c.2218T>G in individuals affected with SPG7-related conditions and no experimental evidence demonstrating its impact on protein function have been reported. ClinVar contains an entry for this variant (Variation ID: 2436307). Based on the evidence outlined above, the variant was classified as uncertain significance.

Revvity Omics, Revvity
Classification: Uncertain significance for Hereditary spastic paraplegia 7. Last evaluated: 2019-08-08. Review status: criteria provided, single submitter. Criteria: ACMG Guidelines, 2015. Collection method: clinical testing. Allele origin: germline.

NM_003119.4(SPG7):c.2218T>G (p.Tyr740Asp)

Gene: SPG7 (SPG7 matrix AAA peptidase subunit, paraplegin; plus strand). Cytogenetic location: 16q24.3.
Variant type: single nucleotide variant.
Coding change: c.2218T>G on transcript NM_003119.4 (MANE Select); coding-DNA position 2218, T replaced by G.
Protein change: p.Tyr740Asp; replaces tyrosine 740 with aspartic acid.
Molecular consequence: missense variant.
Genome position (GRCh38, 1-based): chr16:89,556,923, T>G. VCF-style: chr16-89556923-T-G. GRCh37 (hg19) VCF-style: chr16-89623331-T-G.
Other names: c.2426T>G, p.Leu809Arg (NM_001363850.1); short protein forms L809R, Y740D.
Identifiers: ClinVar variation 2436307 (VCV002436307.4), dbSNP rs138457270, ClinGen allele CA397417561.